The following is an entry in ClinVar:

ClinVar aggregate classification (germline): Likely benign (1 of 4 stars; one submission).

Allele frequency attached by ClinVar (database versions not stated): TOPMed 0.00002.
gnomAD v4.1: 4 of 1,591,544 alleles (0.00025%); highest among the groups gnomAD compares: Admixed American, 0.0018%; no homozygotes.

Submission:

GeneDx
Classification: Likely benign. Last evaluated: 2017-02-22. Review status: criteria provided, single submitter. Criteria: GeneDx Variant Classification (06012015). Collection method: clinical testing. Allele origin: germline. Affected: yes.
Comment: This variant is considered likely benign or benign based on one or more of the following criteria: it is a conservative change, it occurs at a poorly conserved position in the protein, it is predicted to be benign by multiple in silico algorithms, and/or has population frequency not consistent with disease.

NM_015443.4(KANSL1):c.552T>C (p.Thr184=)

Gene: KANSL1 (KAT8 regulatory NSL complex subunit 1). Cytogenetic location: 17q21.31.
Variant type: single nucleotide variant.
Coding change: c.552T>C on transcript NM_015443.4 (MANE Select); coding-DNA position 552, T replaced by C.
Protein change: p.Thr184=; no amino-acid change (threonine 184 retained).
Molecular consequence: synonymous variant.
Genome position (GRCh38, 1-based): chr17:46,171,592, A>G on the plus strand (T>C on the coding strand, the complement: KANSL1 is on the minus strand). VCF-style: chr17-46171592-A-G. GRCh37 (hg19) VCF-style: chr17-44248958-A-G.
Other names: c.552T>C, p.Thr184= (NM_001193465.2, NM_001193466.2, NM_001379198.1).
Identifiers: ClinVar variation 517756 (VCV000517756.1), dbSNP rs772655276, ClinGen allele CA8619030.
Genomic context (GRCh38, chr17:46,171,592, plus strand): 5'-ACCCCCCTTCAAGTCCCCAGATTCAGATCCTCCCATTTCACCCCCATGAAGAGCAGATGA[A>G]GTGAGAGCCCGTTTTCCCCCATTGAGGGAAGTGGAATTGTCATGATCAGAATGTGTTGAA-3'
Protein context (NP_056258.1, residues 174-194): TSLNGGKRAL[Thr184=]SSALHGGEMG